The following is an entry in ClinVar:

ClinVar aggregate classification (germline): Pathogenic (1 of 4 stars; one submission).

Conditions:
Intellectual developmental disorder, autosomal dominant 6, with or without seizures. Also called: GRIN2B-related developmental delay, intellectual disability and autism spectrum disorder; Intellectual disability, autosomal dominant 6. Identifiers: Orphanet 589547, MedGen C3151411, MONDO:0013509, OMIM 613970.
Developmental and epileptic encephalopathy, 27 (DEE27). Also called: GRIN2B-Related Neurodevelopmental Disorder; Epileptic encephalopathy, early infantile, 27. Identifiers: Orphanet 3451, MedGen C4015316, MONDO:0014505, OMIM 616139.

Submission:

Labcorp Genetics (formerly Invitae), Labcorp
Classification: Pathogenic for Developmental and epileptic encephalopathy, 27; Intellectual developmental disorder, autosomal dominant 6, with or without seizures. Last evaluated: 2022-04-18. Review status: criteria provided, single submitter. Criteria: Invitae Variant Classification Sherloc (09022015). Collection method: clinical testing. Allele origin: germline.
Comment: This variant is a gross deletion of the genomic region encompassing exon(s) 4 of the GRIN2B gene. This deletion is out-of-frame, and is expected to create a premature termination codon and result in an absent or disrupted protein product. Loss-of-function variants in GRIN2B are known to be pathogenic (PMID: 28377535). This variant has not been reported in the literature in individuals affected with GRIN2B-related conditions. For these reasons, this variant has been classified as Pathogenic.

Literature cited by the submitters: PubMed 28377535.

NC_000012.11:g.(?_13828659)_(13828813_?)del

Gene: GRIN2B (glutamate ionotropic receptor NMDA type subunit 2B; minus strand). Cytogenetic location: 12p13.1.
Variant type: Deletion.
Identifiers: ClinVar variation 2423420 (VCV002423420.6).